The following is an entry in ClinVar:

ClinVar aggregate classification (germline): Uncertain significance (1 of 4 stars; one submission).

Submission:

GeneDx
Classification: Uncertain significance. Last evaluated: 2024-06-19. Review status: criteria provided, single submitter. Criteria: GeneDx Variant Classification Process June 2021. Collection method: clinical testing. Allele origin: germline. Affected: yes.
Comment: Not observed at significant frequency in large population cohorts (gnomAD); In silico analysis supports that this missense variant has a deleterious effect on protein structure/function; Has not been previously published as pathogenic or benign to our knowledge; In silico analysis suggests this variant may impact gene splicing. In the absence of RNA/functional studies, the actual effect of this sequence change is unknown.

NM_001130823.3(DNMT1):c.2131G>C (p.Ala711Pro)

Gene: DNMT1 (DNA methyltransferase 1; minus strand). Cytogenetic location: 19p13.2.
Variant type: single nucleotide variant.
Coding change: c.2131G>C on transcript NM_001130823.3 (MANE Select); coding-DNA position 2131, G replaced by C.
Protein change: p.Ala711Pro; replaces alanine 711 with proline.
Molecular consequence: missense variant.
Genome position (GRCh38, 1-based): chr19:10,151,532, C>G on the plus strand (G>C on the coding strand, the complement: DNMT1 is on the minus strand). VCF-style: chr19-10151532-C-G. GRCh37 (hg19) VCF-style: chr19-10262208-C-G.
Other names: c.2083G>C, p.Ala695Pro (NM_001318730.2, NM_001379.4); c.1768G>C, p.Ala590Pro (NM_001318731.2); short protein forms A590P, A695P, A711P.
Identifiers: ClinVar variation 3391724 (VCV003391724.1).